The following is an entry in ClinVar:

NM_000051.4(ATM):c.3545A>T (p.Glu1182Val)

Gene: ATM (ATM serine/threonine kinase; plus strand). Cytogenetic location: 11q22.3.
Variant type: single nucleotide variant.
Coding change: c.3545A>T on transcript NM_000051.4 (MANE Select); coding-DNA position 3545, A replaced by T.
Protein change: p.Glu1182Val; replaces glutamic acid 1182 with valine.
Molecular consequence: missense variant.
Genome position (GRCh38, 1-based): chr11:108,281,137, A>T. VCF-style: chr11-108281137-A-T. GRCh37 (hg19) VCF-style: chr11-108151864-A-T.
Other names: c.3545A>T, p.Glu1182Val (NM_001351834.2); short protein forms E1182V.
Identifiers: ClinVar variation 485173 (VCV000485173.10), dbSNP rs1555091393, ClinGen allele CA382520352.
Genomic context (GRCh38, chr11:108,281,137, plus strand): 5'-TATCCTGTAGCCCTATCTGCGAAAAACAGGCTTTGTTTGCCCTGTGTAAATCTGTGAAAG[A>T]GAATGGATTAGAACCTCACCTTGTGAAAAAGGTATATATGGATGAGTATTTTATTAGAAG-3'
Protein context (NP_000042.3, residues 1172-1192): ALFALCKSVK[Glu1182Val]NGLEPHLVKK

ClinVar aggregate classification (germline): Uncertain significance. Review status: criteria provided, multiple submitters, no conflicts (2 of 4 stars). 3 submissions from 3 submitters: Uncertain significance (3). Last evaluated 2025-10-16.

Conditions:
Hereditary cancer-predisposing syndrome. Also called: Hereditary neoplastic syndrome; Neoplastic Syndromes, Hereditary; Tumor predisposition; Hereditary Cancer Syndrome. Identifiers: Orphanet 140162, MedGen C0027672, MeSH D009386, MONDO:0015356.
Ataxia-telangiectasia syndrome (AT). Also called: LOUIS-BAR SYNDROME; Cerebello-oculocutaneous telangiectasia; Immunodeficiency with ataxia telangiectasia; AT, COMPLEMENTATION GROUP C; Ataxia-telangiectasia, complementation group D; ATAXIA-TELANGIECTASIA, COMPLEMENTATION GROUP A. Identifiers: Orphanet 100, MedGen C0004135, MONDO:0008840, OMIM 208900.

Submissions (3):

Ambry Genetics
Classification: Uncertain significance for Hereditary cancer-predisposing syndrome. Last evaluated: 2025-10-16. Review status: criteria provided, single submitter. Criteria: Ambry Variant Classification Scheme 2023. Collection method: clinical testing. Allele origin: germline.
Comment: The p.E1182V variant (also known as c.3545A>T), located in coding exon 23 of the ATM gene, results from an A to T substitution at nucleotide position 3545. The glutamic acid at codon 1182 is replaced by valine, an amino acid with dissimilar properties. In an assay testing ATM function, this variant showed a functionally normal result (Lee KS et al. Cell, 2025 Sep;188:5081-5099.e27). This amino acid position is well conserved in available vertebrate species. In addition, the in silico prediction for this alteration is inconclusive. Based on the available evidence, the clinical significance of this variant remains unclear.

Labcorp Genetics (formerly Invitae), Labcorp
Classification: Uncertain significance for Ataxia-telangiectasia syndrome. Last evaluated: 2025-05-26. Review status: criteria provided, single submitter. Criteria: Invitae Variant Classification Sherloc (09022015). Collection method: clinical testing. Allele origin: germline.
Comment: This sequence change replaces glutamic acid, which is acidic and polar, with valine, which is neutral and non-polar, at codon 1182 of the ATM protein (p.Glu1182Val). This variant is not present in population databases (gnomAD no frequency). This variant has not been reported in the literature in individuals affected with ATM-related conditions. ClinVar contains an entry for this variant (Variation ID: 485173). Invitae Evidence Modeling of protein sequence and biophysical properties (such as structural, functional, and spatial information, amino acid conservation, physicochemical variation, residue mobility, and thermodynamic stability) indicates that this missense variant is not expected to disrupt ATM protein function with a negative predictive value of 95%. In summary, the available evidence is currently insufficient to determine the role of this variant in disease. Therefore, it has been classified as a Variant of Uncertain Significance.

GeneDx
Classification: Uncertain significance. Last evaluated: 2020-02-19. Review status: criteria provided, single submitter. Criteria: GeneDx Variant Classification Process June 2021. Collection method: clinical testing. Allele origin: germline. Affected: yes.
Comment: Not observed in large population cohorts (Lek et al., 2016); In silico analysis supports that this missense variant has a deleterious effect on protein structure/function; Has not been previously published as pathogenic or benign to our knowledge

Literature cited by the submitters: PubMed 40580951 (cited by Ambry Genetics).